The following is an entry in ClinVar:

ClinVar aggregate classification (germline): Uncertain significance (1 of 4 stars; one submission).

gnomAD v4.1: 5 of 1,579,838 alleles (0.00032%); highest among the groups gnomAD compares: African/African-American, 0.0013%; no homozygotes.

Submission:

Labcorp Genetics (formerly Invitae), Labcorp
Classification: Uncertain significance. Last evaluated: 2021-12-13. Review status: criteria provided, single submitter. Criteria: Invitae Variant Classification Sherloc (09022015). Collection method: clinical testing. Allele origin: germline.
Comment: This sequence change replaces alanine, which is neutral and non-polar, with threonine, which is neutral and polar, at codon 1358 of the CDH23 protein (p.Ala1358Thr). The frequency data for this variant in the population databases is considered unreliable, as metrics indicate poor data quality at this position in the gnomAD database. This variant has not been reported in the literature in individuals affected with CDH23-related conditions. Algorithms developed to predict the effect of missense changes on protein structure and function are either unavailable or do not agree on the potential impact of this missense change (SIFT: "Deleterious"; PolyPhen-2: "Not Available"; Align-GVGD: "Class C55"). In summary, the available evidence is currently insufficient to determine the role of this variant in disease. Therefore, it has been classified as a Variant of Uncertain Significance.

NM_022124.6(CDH23):c.4072G>A (p.Ala1358Thr)

Genes: C10orf105 (chromosome 10 open reading frame 105; minus strand), CDH23 (cadherin related 23; plus strand). Cytogenetic location: 10q22.1.
Variant type: single nucleotide variant.
Coding change: c.4072G>A on transcript NM_022124.6 (MANE Select); coding-DNA position 4072, G replaced by A.
Protein change: p.Ala1358Thr; replaces alanine 1358 with threonine.
Molecular consequence: missense variant. On other transcripts: intron variant (1).
Genome position (GRCh38, 1-based): chr10:71,732,343, G>A. VCF-style: chr10-71732343-G-A. GRCh37 (hg19) VCF-style: chr10-73492100-G-A.
Other names: c.4072G>A, p.Ala1358Thr (NM_001171930.2); c.-6+5385C>T (NM_001168390.2); short protein forms A1358T.
Identifiers: ClinVar variation 2166723 (VCV002166723.1), dbSNP rs1252162825, ClinGen allele CA377156899.